The following is an entry in ClinVar:

ClinVar aggregate classification (germline): Uncertain significance (1 of 4 stars; one submission).

Allele frequency attached by ClinVar (database versions not stated): gnomAD exomes below 0.00001 and 0.00001; TOPMed below 0.00001; ExAC 0.00001; gnomAD 0.00001.
gnomAD v4.1: 3 of 1,613,762 alleles (0.00019%); highest among the groups gnomAD compares: African/African-American, 0.0013%; no homozygotes.

Submission:

GeneDx
Classification: Uncertain significance. Last evaluated: 2021-06-21. Review status: criteria provided, single submitter. Criteria: GeneDx Variant Classification Process June 2021. Collection method: clinical testing. Allele origin: germline. Affected: yes.
Comment: Not observed at significant frequency in large population cohorts (Lek et al., 2016); In silico analysis supports that this missense variant does not alter protein structure/function; Has not been previously published as pathogenic or benign to our knowledge; This variant is associated with the following publications: (PMID: 27535533)

NM_153033.5(KCTD7):c.160C>T (p.Pro54Ser)

Gene: KCTD7 (potassium channel tetramerization domain containing 7; plus strand). Cytogenetic location: 7q11.21.
Variant type: single nucleotide variant.
Coding change: c.160C>T on transcript NM_153033.5 (MANE Select); coding-DNA position 160, C replaced by T.
Protein change: p.Pro54Ser; replaces proline 54 with serine.
Molecular consequence: missense variant.
Genome position (GRCh38, 1-based): chr7:66,633,290, C>T. VCF-style: chr7-66633290-C-T. GRCh37 (hg19) VCF-style: chr7-66098277-C-T.
Other names: c.160C>T, p.Pro54Ser (NM_001167961.2); short protein forms P54S.
Identifiers: ClinVar variation 450495 (VCV000450495.4), dbSNP rs776037212, ClinGen allele CA4278186.